The following is an entry in ClinVar:

ClinVar aggregate classification (germline): Uncertain significance (1 of 4 stars; one submission).

Submission:

Ambry Genetics
Classification: Uncertain significance. Last evaluated: 2026-02-17. Review status: criteria provided, single submitter. Criteria: Ambry Variant Classification Scheme 2023. Collection method: clinical testing. Allele origin: germline.
Comment: The p.P260S variant (also known as c.778C>T), located in coding exon 6 of the RNF43 gene, results from a C to T substitution at nucleotide position 778. The proline at codon 260 is replaced by serine, an amino acid with similar properties. This amino acid position is conserved. In addition, this alteration is predicted to be tolerated by in silico analysis. Based on the available evidence, the clinical significance of this variant remains unclear.

NM_017763.6(RNF43):c.778C>T (p.Pro260Ser)

Gene: RNF43 (ring finger protein 43; minus strand). Cytogenetic location: 17q22.
Variant type: single nucleotide variant.
Coding change: c.778C>T on transcript NM_017763.6 (MANE Select); coding-DNA position 778, C replaced by T.
Protein change: p.Pro260Ser; replaces proline 260 with serine.
Molecular consequence: missense variant.
Genome position (GRCh38, 1-based): chr17:58,360,854, G>A on the plus strand (C>T on the coding strand, the complement: RNF43 is on the minus strand). VCF-style: chr17-58360854-G-A. GRCh37 (hg19) VCF-style: chr17-56438215-G-A.
Other names: c.778C>T, p.Pro260Ser (NM_001305544.3, NM_001438820.1, NM_001438821.1 and 1 more transcripts); c.397C>T, p.Pro133Ser (NM_001305545.2, NM_001437987.1); short protein forms P260S, P133S.
Identifiers: ClinVar variation 4844782 (VCV004844782.1).
Genomic context (GRCh38, chr17:58,360,854, plus strand): 5'-AGAACTCCTCCAGACAGATGGCACACACAGGGGCTGAGCTGCAGCTGCTCCCTGAGTCTG[G>A]CCACTCACCCCGGGCCTGCCTGCAGCTGGCCTGGTACCTCCTGGTGGCCAGCTGGCTGAT-3'
Protein context (NP_060233.3, residues 250-270): ASCRQARGEW[Pro260Ser]DSGSSCSSAP